The following is an entry in ClinVar:

ClinVar aggregate classification (germline): Likely benign (1 of 4 stars; one submission).

Submission:

GeneDx
Classification: Likely benign. Last evaluated: 2018-05-17. Review status: criteria provided, single submitter. Criteria: GeneDx Variant Classification (06012015). Collection method: clinical testing. Allele origin: germline. Affected: yes.
Comment: This variant is considered likely benign or benign based on one or more of the following criteria: it is a conservative change, it occurs at a poorly conserved position in the protein, it is predicted to be benign by multiple in silico algorithms, and/or has population frequency not consistent with disease.

NM_138326.3(ACMSD):c.850-3dup

Genes: ACMSD (aminocarboxymuconate semialdehyde decarboxylase; plus strand), CCNT2-AS1 (CCNT2 antisense RNA 1; minus strand). Cytogenetic location: 2q21.3.
Variant type: Duplication.
Coding change: c.850-3dup on transcript NM_138326.3 (MANE Select); 3 bases into the intron before coding-DNA position 850, one base duplicated (T; older notation c.850-3dupT).
Molecular consequence: intron variant.
Genome position (GRCh38, 1-based): chr2:134,898,338, T duplicated; the last of 6 consecutive T bases (chr2:134,898,333-134,898,338); duplicating any one gives the same sequence. VCF-style (leftmost placement, unchanged base first): chr2-134898332-G-GT. GRCh37 (hg19) VCF-style: chr2-135655902-G-GT.
Other names: c.676-3dup (NM_001307983.2).
Identifiers: ClinVar variation 668229 (VCV000668229.1), dbSNP rs1338555071, ClinGen allele CA536380398.